The following is an entry in ClinVar:

ClinVar aggregate classification (germline): Uncertain significance (0 of 4 stars; one submission).

Conditions:
WASF1-related disorder. Also called: WASF1-related condition.

Allele frequency attached by ClinVar (database versions not stated): gnomAD exomes below 0.00001; TOPMed below 0.00001.
gnomAD v4.1: 2 of 1,614,056 alleles (0.00012%); highest among the groups gnomAD compares: East Asian, 0.0022%; no homozygotes.

Submission:

PreventionGenetics, part of Exact Sciences
Classification: Uncertain significance for WASF1-related condition. Last evaluated: 2024-01-10. Review status: no assertion criteria provided. Collection method: clinical testing. Allele origin: germline.
Comment: The WASF1 c.1431A>C variant is predicted to result in the amino acid substitution p.Gln477His. To our knowledge, this variant has not been reported in the literature or in a large population database, indicating this variant is rare. At this time, the clinical significance of this variant is uncertain due to the absence of conclusive functional and genetic evidence.

NM_003931.3(WASF1):c.1431A>C (p.Gln477His)

Gene: WASF1 (WASP family member 1; minus strand). Cytogenetic location: 6q21.
Variant type: single nucleotide variant.
Coding change: c.1431A>C on transcript NM_003931.3 (MANE Select); coding-DNA position 1431, A replaced by C.
Protein change: p.Gln477His; replaces glutamine 477 with histidine.
Molecular consequence: missense variant.
Genome position (GRCh38, 1-based): chr6:110,101,679, T>G on the plus strand (A>C on the coding strand, the complement: WASF1 is on the minus strand). VCF-style: chr6-110101679-T-G. GRCh37 (hg19) VCF-style: chr6-110422882-T-G.
Other names: c.1431A>C, p.Gln477His (NM_001024934.2, NM_001024935.2, NM_001024936.2); short protein forms Q477H.
Identifiers: ClinVar variation 3042524 (VCV003042524.2), dbSNP rs1773094800, ClinGen allele CA365347421.